The following is an entry in ClinVar:

ClinVar aggregate classification (germline): Pathogenic (1 of 4 stars; one submission).

Conditions:
Intellectual developmental disorder, X-linked, syndromic 34. Also called: MENTAL RETARDATION, X-LINKED, SYNDROMIC, MIRCSOF-LANGOUET TYPE; Syndromic X-linked intellectual disability 34. Identifiers: Orphanet 466791, MedGen C4225417, MONDO:0010501, OMIM 300967.

Submission:

Gansu Provincial Maternity and Child Care Hospital
Classification: Pathogenic for Intellectual developmental disorder, X-linked, syndromic 34. Last evaluated: 2026-06-02. Review status: criteria provided, single submitter. Criteria: ACMG Guidelines, 2015. Collection method: clinical testing. Allele origin: de novo. Inheritance: X-linked inheritance. Affected: yes.
Comment: The c.205_206delTGA variant is a frameshift variant that leads to premature termination of translation (PVS1). Parental verification confirmed it as a de novo variant (PS2). This site is not recorded in the gnomAD database (PM2_supporting).This variant is classified as Pathogenic.

NM_007363.5(NONO):c.205_206del (p.Thr69fs)

Gene: NONO (non-POU domain containing octamer binding; plus strand). Cytogenetic location: Xq13.1.
Variant type: Deletion.
Coding change: c.205_206del on transcript NM_007363.5 (MANE Select); coding-DNA positions 205 to 206, 2 bases deleted (AC; older notation c.205_206delAC).
Protein change: p.Thr69fs; shifts the reading frame from threonine 69.
Molecular consequence: frameshift variant. On other transcripts: 5 prime UTR variant (1).
Genome position (GRCh38, 1-based): chrX:71,291,829-71,291,830, AC deleted. VCF-style (leftmost placement, unchanged base first): chrX-71291828-GAC-G. GRCh37 (hg19) VCF-style: chrX-70511678-GAC-G.
Other names: c.205_206del, p.Thr69fs (NM_001145408.2, NM_001145409.2); c.-63_-62del (NM_001145410.2); short protein forms T69fs.
Identifiers: ClinVar variation 4880248 (VCV004880248.1).
Genomic context (GRCh38, chrX:71,291,828, plus strand): 5'-TCTTCTCTCAGATGAAGGCTTGACTATTGACCTGAAGAATTTTAGAAAACCAGGAGAGAA[GAC>G]CTTCACCCAACGAAGCCGTCTTTTTGTGGGAAATCTTCCTCCCGACATCACTGAGGAAGA-3'